The following is an entry in ClinVar:

NM_001367624.2(ZNF469):c.2127G>A (p.Pro709=)

Gene: ZNF469 (zinc finger protein 469; plus strand). Cytogenetic location: 16q24.2.
Variant type: single nucleotide variant.
Coding change: c.2127G>A on transcript NM_001367624.2 (MANE Select); coding-DNA position 2127, G replaced by A.
Protein change: p.Pro709=; no amino-acid change (proline 709 retained).
Molecular consequence: synonymous variant.
Genome position (GRCh38, 1-based): chr16:88,429,597, G>A. VCF-style: chr16-88429597-G-A. GRCh37 (hg19) VCF-style: chr16-88496005-G-A.
Other names: NM_001127464.1:c.2127G>A; NM_001127464.2:c.2127G>A.
Identifiers: ClinVar variation 1213410 (VCV001213410.12), dbSNP rs527898359, ClinGen allele CA8224746.

ClinVar aggregate classification (germline): Likely benign. Review status: criteria provided, multiple submitters, no conflicts (2 of 4 stars). 4 submissions from 4 submitters: Likely benign (3). 1 of the submissions does not count toward it. Last evaluated 2025-12-31.

Conditions:
Cardiovascular phenotype. Identifiers: MedGen CN230736.
ZNF469-related disorder. Also called: ZNF469-related condition.

Allele frequency attached by ClinVar (database versions not stated): gnomAD 0.00002 and 0.00005; TOPMed 0.00003; gnomAD exomes 0.00004 and 0.00009; ExAC 0.00007; 1000 Genomes Project 0.00040; 1000 Genomes Project 30x 0.00047.
gnomAD v4.1: 58 of 1,549,008 alleles (0.0037%); highest among the groups gnomAD compares: East Asian, 0.12%; no homozygotes.

Submissions (4):

Labcorp Genetics (formerly Invitae), Labcorp
Classification: Likely benign. Last evaluated: 2025-12-31. Review status: criteria provided, single submitter. Criteria: Invitae Variant Classification Sherloc (09022015). Collection method: clinical testing. Allele origin: germline.

GeneDx
Classification: Likely benign. Last evaluated: 2020-09-25. Review status: criteria provided, single submitter. Criteria: GeneDx Variant Classification Process June 2021. Collection method: clinical testing. Allele origin: germline. Affected: yes.

Ambry Genetics
Classification: Likely benign for Cardiovascular phenotype. Last evaluated: 2020-04-23. Review status: criteria provided, single submitter. Criteria: Ambry Variant Classification Scheme 2023. Collection method: clinical testing. Allele origin: germline.

PreventionGenetics, part of Exact Sciences
Classification: Likely benign for ZNF469-related condition. Last evaluated: 2022-10-17. Review status: no assertion criteria provided. Collection method: clinical testing. Allele origin: germline. Not counted in ClinVar's aggregate classification.
Comment: This variant is classified as likely benign based on ACMG/AMP sequence variant interpretation guidelines (Richards et al. 2015 PMID: 25741868, with internal and published modifications).